The following is an entry in ClinVar:

NM_002299.4(LCT):c.3655C>T (p.Pro1219Ser)

Gene: LCT (lactase; minus strand). Cytogenetic location: 2q21.3.
Variant type: single nucleotide variant.
Coding change: c.3655C>T on transcript NM_002299.4 (MANE Select); coding-DNA position 3655, C replaced by T.
Protein change: p.Pro1219Ser; replaces proline 1219 with serine.
Molecular consequence: missense variant.
Genome position (GRCh38, 1-based): chr2:135,808,692, G>A on the plus strand (C>T on the coding strand, the complement: LCT is on the minus strand). VCF-style: chr2-135808692-G-A. GRCh37 (hg19) VCF-style: chr2-136566262-G-A.
Other names: c.3655C>T (NM_002299.2); short protein forms P1219S.
Identifiers: ClinVar variation 1418320 (VCV001418320.4), dbSNP rs138785223, ClinGen allele CA1888024.

ClinVar aggregate classification (germline): Uncertain significance. Review status: criteria provided, multiple submitters, no conflicts (2 of 4 stars). 2 submissions from 2 submitters: Uncertain significance (2). Last evaluated 2024-05-15.

Conditions:
Inborn genetic diseases. Identifiers: MedGen C0950123, MeSH D030342.

Allele frequency attached by ClinVar (database versions not stated): ESP Exome Variant Server 0.00008.
gnomAD v4.1: 224 of 1,614,202 alleles (0.014%); highest among the groups gnomAD compares: Non-Finnish European, 0.018%; no homozygotes.

Submissions (2):

Ambry Genetics
Classification: Uncertain significance for Inborn genetic diseases. Last evaluated: 2024-05-15. Review status: criteria provided, single submitter. Criteria: Ambry Variant Classification Scheme 2023. Collection method: clinical testing. Allele origin: germline.

Labcorp Genetics (formerly Invitae), Labcorp
Classification: Uncertain significance. Last evaluated: 2021-12-09. Review status: criteria provided, single submitter. Criteria: Invitae Variant Classification Sherloc (09022015). Collection method: clinical testing. Allele origin: germline.
Comment: This sequence change replaces proline, which is neutral and non-polar, with serine, which is neutral and polar, at codon 1219 of the LCT protein (p.Pro1219Ser). This variant is present in population databases (rs138785223, gnomAD 0.01%). This variant has not been reported in the literature in individuals affected with LCT-related conditions. Algorithms developed to predict the effect of missense changes on protein structure and function are either unavailable or do not agree on the potential impact of this missense change (SIFT: "Not Available"; PolyPhen-2: "Benign"; Align-GVGD: "Not Available"). In summary, the available evidence is currently insufficient to determine the role of this variant in disease. Therefore, it has been classified as a Variant of Uncertain Significance.